The following is an entry in ClinVar:

ClinVar aggregate classification (germline): Conflicting classifications of pathogenicity. Review status: criteria provided, conflicting classifications (1 of 4 stars). 6 submissions from 6 submitters: Uncertain significance (5); Likely benign (1). Last evaluated 2025-11-20.

Conditions:
NEB-related disorder. Also called: NEB-Related Disorders; NEB-related condition.
Nemaline myopathy 2 (NEM2). Also called: Nemaline myopathy 2, autosomal recessive. Identifiers: MedGen C1850569, MONDO:0009725, OMIM 256030.
Inborn genetic diseases. Identifiers: MedGen C0950123, MeSH D030342.

Allele frequency attached by ClinVar (database versions not stated): gnomAD exomes 0.00004 and 0.00013; ESP Exome Variant Server 0.00008; gnomAD 0.00012 and 0.00013; ExAC 0.00015; TOPMed 0.00015; 1000 Genomes Project 30x 0.00062; 1000 Genomes Project 0.00080.
gnomAD v4.1: 91 of 1,613,964 alleles (0.0056%); highest among the groups gnomAD compares: Middle Eastern, 0.066%; no homozygotes.

Submissions (6):

PreventionGenetics, part of Exact Sciences
Classification: Uncertain significance for NEB-related condition. Last evaluated: 2025-11-20. Review status: criteria provided, single submitter. Criteria: ACMG Guidelines, 2015. Collection method: clinical testing. Allele origin: germline.
Comment: The NEB c.10735C>G variant is predicted to result in the amino acid substitution p.Leu3579Val. To our knowledge, this variant has not been reported in the literature. This variant is reported in 0.066% of alleles in individuals of African descent in gnomAD. At this time, the clinical significance of this variant is uncertain due to the absence of conclusive functional and genetic evidence.

Revvity Omics, Revvity
Classification: Likely benign. Last evaluated: 2025-04-02. Review status: criteria provided, single submitter. Criteria: ACMG Guidelines, 2015. Collection method: clinical testing. Allele origin: germline.

GeneDx
Classification: Uncertain significance. Last evaluated: 2024-11-21. Review status: criteria provided, single submitter. Criteria: GeneDx Variant Classification Process June 2021. Collection method: clinical testing. Allele origin: germline. Affected: yes.
Comment: In silico analysis indicates that this missense variant does not alter protein structure/function; Has not been previously published as pathogenic or benign to our knowledge

Ambry Genetics
Classification: Uncertain significance for Inborn genetic diseases. Last evaluated: 2024-04-17. Review status: criteria provided, single submitter. Criteria: Ambry Variant Classification Scheme 2023. Collection method: clinical testing. Allele origin: germline.

Labcorp Genetics (formerly Invitae), Labcorp
Classification: Uncertain significance for Nemaline myopathy 2. Last evaluated: 2022-08-23. Review status: criteria provided, single submitter. Criteria: Invitae Variant Classification Sherloc (09022015). Collection method: clinical testing. Allele origin: germline.
Comment: This sequence change replaces leucine, which is neutral and non-polar, with valine, which is neutral and non-polar, at codon 3579 of the NEB protein (p.Leu3579Val). This variant is present in population databases (rs149384863, gnomAD 0.07%). This variant has not been reported in the literature in individuals affected with NEB-related conditions. ClinVar contains an entry for this variant (Variation ID: 1343536). Algorithms developed to predict the effect of missense changes on protein structure and function are either unavailable or do not agree on the potential impact of this missense change (SIFT: "Deleterious"; PolyPhen-2: "Not Available"; Align-GVGD: "Class C0"). Algorithms developed to predict the effect of sequence changes on RNA splicing suggest that this variant may create or strengthen a splice site. In summary, the available evidence is currently insufficient to determine the role of this variant in disease. Therefore, it has been classified as a Variant of Uncertain Significance.

Women's Health and Genetics/Laboratory Corporation of America, LabCorp
Classification: Uncertain significance. Last evaluated: 2022-02-18. Review status: criteria provided, single submitter. Criteria: LabCorp Variant Classification Summary - May 2015. Collection method: clinical testing. Allele origin: germline.

NM_001164508.2(NEB):c.10735C>G (p.Leu3579Val)

Gene: NEB (nebulin; minus strand). Cytogenetic location: 2q23.3.
Variant type: single nucleotide variant.
Coding change: c.10735C>G on transcript NM_001164508.2 (MANE Select); coding-DNA position 10735, C replaced by G.
Protein change: p.Leu3579Val; replaces leucine 3579 with valine.
Molecular consequence: missense variant.
Genome position (GRCh38, 1-based): chr2:151,619,588, G>C on the plus strand (C>G on the coding strand, the complement: NEB is on the minus strand). VCF-style: chr2-151619588-G-C. GRCh37 (hg19) VCF-style: chr2-152476102-G-C.
Other names: c.10006C>G (NM_004543.4); c.10735C>G, p.Leu3579Val (NM_001164507.2, NM_001271208.2); c.10006C>G, p.Leu3336Val (NM_004543.5); short protein forms L3336V, L3579V.
Identifiers: ClinVar variation 1343536 (VCV001343536.8), dbSNP rs149384863, ClinGen allele CA1908961.
Genomic context (GRCh38, chr2:151,619,588, plus strand): 5'-GATGTTTATAGTCCACATCGCTGACCAAGGTCTGACACTTCTTGGCCAAAACGATACCAA[G>C]CATGTCCACTGGGCTGCTGTACCTTGTCTTGTATTTCTCAAAATCTTTCTTGTACTCACG-3'
Protein context (NP_001157980.2, residues 3569-3589): KTRYSSPVDM[Leu3579Val]GIVLAKKCQT